The following is an entry in ClinVar:

NM_000112.4(SLC26A2):c.370C>A (p.Pro124Thr)

Gene: SLC26A2 (solute carrier family 26 member 2; plus strand). Cytogenetic location: 5q32.
Variant type: single nucleotide variant.
Coding change: c.370C>A on transcript NM_000112.4 (MANE Select); coding-DNA position 370, C replaced by A.
Protein change: p.Pro124Thr; replaces proline 124 with threonine.
Molecular consequence: missense variant.
Genome position (GRCh38, 1-based): chr5:149,978,022, C>A. VCF-style: chr5-149978022-C-A. GRCh37 (hg19) VCF-style: chr5-149357585-C-A.
Other names: short protein forms P124T.
Identifiers: ClinVar variation 2063537 (VCV002063537.1), dbSNP rs751431865, ClinGen allele CA3505238.
Genomic context (GRCh38, chr5:149,978,022, plus strand): 5'-CTAAAGAAAAACATTTTAGGGGATGTGATGTCAGGCTTGATTGTGGGCATATTATTGGTG[C>A]CCCAGTCCATTGCTTATTCCCTGCTGGCTGGCCAAGAACCTGTCTATGGTCTGTACACAT-3'
Protein context (NP_000103.2, residues 114-134): SGLIVGILLV[Pro124Thr]QSIAYSLLAG

ClinVar aggregate classification (germline): Uncertain significance (1 of 4 stars; one submission).

Conditions:
Achondrogenesis, type IB (ACG1B). Also called: Achondrogenesis Type 1B. Identifiers: Orphanet 932, Orphanet 93298, MedGen C0265274, MONDO:0010966, OMIM 600972.
Multiple epiphyseal dysplasia type 4 (EDM4). Also called: Multiple Epiphyseal Dysplasia, Recessive; MULTIPLE EPIPHYSEAL DYSPLASIA WITH BILAYERED PATELLAE; MULTIPLE EPIPHYSEAL DYSPLASIA WITH CLUBFOOT; MULTIPLE EPIPHYSEAL DYSPLASIA, AUTOSOMAL RECESSIVE; SLC26A2-Related Multiple Epiphyseal Dysplasia. Identifiers: Orphanet 93307, MedGen C1847593, MONDO:0009189, OMIM 226900.
Atelosteogenesis type II (AO2). Also called: NEONATAL OSSEOUS DYSPLASIA I; Neonatal osseous dysplasia 1; SLC26A2-Related Atelosteogenesis. Identifiers: Orphanet 56304, MedGen C1850554, MONDO:0009727, OMIM 256050.
Diastrophic dysplasia (DTD). Also called: Diastrophic dwarfism. Identifiers: Orphanet 628, MedGen C0220726, MONDO:0009107, OMIM 222600.

Allele frequency attached by ClinVar (database versions not stated): ExAC 0.00001.

Submission:

Labcorp Genetics (formerly Invitae), Labcorp
Classification: Uncertain significance for Atelosteogenesis type II; Multiple epiphyseal dysplasia type 4; Achondrogenesis, type IB; Diastrophic dysplasia. Last evaluated: 2021-12-28. Review status: criteria provided, single submitter. Criteria: Invitae Variant Classification Sherloc (09022015). Collection method: clinical testing. Allele origin: germline.
Comment: This sequence change replaces proline, which is neutral and non-polar, with threonine, which is neutral and polar, at codon 124 of the SLC26A2 protein (p.Pro124Thr). This variant is present in population databases (rs751431865, gnomAD 0.006%). This variant has not been reported in the literature in individuals affected with SLC26A2-related conditions. Advanced modeling of protein sequence and biophysical properties (such as structural, functional, and spatial information, amino acid conservation, physicochemical variation, residue mobility, and thermodynamic stability) performed at Invitae indicates that this missense variant is expected to disrupt SLC26A2 protein function. In summary, the available evidence is currently insufficient to determine the role of this variant in disease. Therefore, it has been classified as a Variant of Uncertain Significance.